The following is an entry in ClinVar:

ClinVar aggregate classification (germline): Uncertain significance. Review status: criteria provided, multiple submitters, no conflicts (2 of 4 stars). 2 submissions from 2 submitters: Uncertain significance (2). Last evaluated 2025-07-09.

Conditions:
COL18A1-related disorder. Also called: COL18A1-related disorders; COL18A1-related condition.

Submissions (2):

PreventionGenetics, part of Exact Sciences
Classification: Uncertain significance for COL18A1-related condition. Last evaluated: 2025-07-09. Review status: criteria provided, single submitter. Criteria: ACMG Guidelines, 2015. Collection method: clinical testing. Allele origin: germline.
Comment: The COL18A1 c.3208_3209delinsTT variant is predicted to result in an in-frame deletion and insertion. To our knowledge, this variant has not been reported in the literature or in a large population database (gnomAD), indicating this variant is rare. At this time, the clinical significance of this variant is uncertain due to the absence of conclusive functional and genetic evidence.

Labcorp Genetics (formerly Invitae), Labcorp
Classification: Uncertain significance. Last evaluated: 2022-03-16. Review status: criteria provided, single submitter. Criteria: Invitae Variant Classification Sherloc (09022015). Collection method: clinical testing. Allele origin: germline.
Comment: This sequence change replaces proline, which is neutral and non-polar, with phenylalanine, which is neutral and non-polar, at codon 890 of the COL18A1 protein (p.Pro890Phe). This variant is present in population databases (no rsID available, gnomAD 0.3%). This variant has not been reported in the literature in individuals affected with COL18A1-related conditions. Experimental studies and prediction algorithms are not available or were not evaluated, and the functional significance of this variant is currently unknown. In summary, the available evidence is currently insufficient to determine the role of this variant in disease. Therefore, it has been classified as a Variant of Uncertain Significance.

NM_001379500.1(COL18A1):c.2668_2669delinsTT (p.Pro890Phe)

Gene: COL18A1 (collagen type XVIII alpha 1 chain; plus strand). Cytogenetic location: 21q22.3.
Variant type: Indel.
Coding change: c.2668_2669delinsTT on transcript NM_001379500.1 (MANE Select); coding-DNA positions 2668 to 2669, CC replaced by TT.
Protein change: p.Pro890Phe; replaces proline 890 with phenylalanine.
Molecular consequence: missense variant.
Genome position (GRCh38, 1-based): chr21:45,497,646-45,497,647, CC replaced by TT. VCF-style: chr21-45497646-CC-TT. GRCh37 (hg19) VCF-style: chr21-46917560-CC-TT.
Other names: c.3208_3209delinsTT, p.Pro1070Phe (NM_030582.4); c.3913_3914delinsTT, p.Pro1305Phe (NM_130444.3); c.3208_3209delinsTT (NM_030582.3); short protein forms P890F, P1070F, P1305F.
Identifiers: ClinVar variation 1416103 (VCV001416103.4), dbSNP rs2146015536, ClinGen allele CA2573157587.